The following is an entry in ClinVar:

ClinVar aggregate classification (germline): Uncertain significance (1 of 4 stars; one submission).

Conditions:
Hereditary cancer-predisposing syndrome. Also called: Neoplastic Syndromes, Hereditary; Tumor predisposition; Hereditary Cancer Syndrome; Hereditary neoplastic syndrome. Identifiers: Orphanet 140162, MedGen C0027672, MeSH D009386, MONDO:0015356.

gnomAD v4.1: 1 of 1,614,148 alleles (0.000062%); highest among the groups gnomAD compares: Non-Finnish European, 0.000085%; no homozygotes.

Submission:

Ambry Genetics
Classification: Uncertain significance for Hereditary cancer-predisposing syndrome. Last evaluated: 2025-11-10. Review status: criteria provided, single submitter. Criteria: Ambry Variant Classification Scheme 2023. Collection method: clinical testing. Allele origin: germline.
Comment: The p.E160K variant (also known as c.478G>A), located in coding exon 1 of the GREM1 gene, results from a G to A substitution at nucleotide position 478. The glutamic acid at codon 160 is replaced by lysine, an amino acid with similar properties. This amino acid position is conserved. In addition, this alteration is predicted to be tolerated by in silico analysis. Based on the available evidence, the clinical significance of this variant remains unclear.

NM_013372.7(GREM1):c.478G>A (p.Glu160Lys)

Gene: GREM1 (gremlin 1, DAN family BMP antagonist; plus strand). Cytogenetic location: 15q13.3.
Variant type: single nucleotide variant.
Coding change: c.478G>A on transcript NM_013372.7 (MANE Select); coding-DNA position 478, G replaced by A.
Protein change: p.Glu160Lys; replaces glutamic acid 160 with lysine.
Molecular consequence: missense variant.
Genome position (GRCh38, 1-based): chr15:32,731,168, G>A. VCF-style: chr15-32731168-G-A. GRCh37 (hg19) VCF-style: chr15-33023369-G-A.
Other names: c.268G>A, p.Glu90Lys (NM_001191322.2); c.355G>A, p.Glu119Lys (NM_001191323.2); c.478G>A, p.Glu160Lys (NM_001368719.1); short protein forms E160K, E119K, E90K.
Identifiers: ClinVar variation 4643457 (VCV004643457.1).